The following is an entry in ClinVar:

ClinVar aggregate classification (germline): Benign/Likely benign. Review status: criteria provided, multiple submitters, no conflicts (2 of 4 stars). 7 submissions from 7 submitters: Benign (4); Likely benign (2). 1 of the submissions does not count toward it. Last evaluated 2026-01-19.

Conditions:
EHMT1-related disorder. Also called: EHMT1-related condition.
Inborn genetic diseases. Identifiers: MedGen C0950123, MeSH D030342.
Kleefstra syndrome 1 (KLEFS1). Identifiers: Orphanet 261494, MedGen C0795833, MONDO:0027407, OMIM 610253.

Allele frequency attached by ClinVar (database versions not stated): gnomAD exomes 0.00037; ExAC 0.00048; 1000 Genomes Project 0.00120; gnomAD 0.00136 and 0.00146; 1000 Genomes Project 30x 0.00141; ESP Exome Variant Server 0.00146; TOPMed 0.00164.
gnomAD v4.1: 437 of 1,613,446 alleles (0.027%); highest among the groups gnomAD compares: African/African-American, 0.51%; no homozygotes.

Submissions (7):

Labcorp Genetics (formerly Invitae), Labcorp
Classification: Benign for Kleefstra syndrome 1. Last evaluated: 2026-01-19. Review status: criteria provided, single submitter. Criteria: Invitae Variant Classification Sherloc (09022015). Collection method: clinical testing. Allele origin: germline.

CeGaT Center for Human Genetics Tuebingen
Classification: Likely benign. Last evaluated: 2025-11-01. Review status: criteria provided, single submitter. Criteria: CeGaT Center For Human Genetics Tuebingen Variant Classification Criteria Version 2. Collection method: clinical testing. Allele origin: germline. Affected: yes. Observed: 4 variant alleles.
Comment: EHMT1: BP4, BP7

GeneDx
Classification: Benign. Last evaluated: 2019-02-15. Review status: criteria provided, single submitter. Criteria: GeneDx Variant Classification Process June 2021. Collection method: clinical testing. Allele origin: germline. Affected: yes.

Ambry Genetics
Classification: Likely benign for Inborn genetic diseases. Last evaluated: 2017-06-22. Review status: criteria provided, single submitter. Criteria: Ambry Variant Classification Scheme 2023. Collection method: clinical testing. Allele origin: germline.

Eurofins Ntd Llc (ga)
Classification: Benign. Last evaluated: 2014-01-23. Review status: criteria provided, single submitter. Criteria: EGL Classification Definitions 2015. Collection method: clinical testing. Allele origin: germline. Observed: 1 variant allele, 1 heterozygote.

Breakthrough Genomics
Classification: Benign. Review status: criteria provided, single submitter. Criteria: ACMG Guidelines, 2015. Collection method: not provided. Allele origin: germline. Inheritance: Autosomal dominant inheritance. Affected: yes.

PreventionGenetics, part of Exact Sciences
Classification: Benign for EHMT1-related condition. Last evaluated: 2019-05-15. Review status: no assertion criteria provided. Collection method: clinical testing. Allele origin: germline. Not counted in ClinVar's aggregate classification.
Comment: This variant is classified as benign based on ACMG/AMP sequence variant interpretation guidelines (Richards et al. 2015 PMID: 25741868, with internal and published modifications).

NM_024757.5(EHMT1):c.2040G>A (p.Ser680=)

Gene: EHMT1 (euchromatic histone lysine methyltransferase 1; plus strand). Cytogenetic location: 9q34.3.
Variant type: single nucleotide variant.
Coding change: c.2040G>A on transcript NM_024757.5 (MANE Select); coding-DNA position 2040, G replaced by A.
Protein change: p.Ser680=; no amino-acid change (serine 680 retained).
Molecular consequence: synonymous variant.
Genome position (GRCh38, 1-based): chr9:137,777,903, G>A. VCF-style: chr9-137777903-G-A. GRCh37 (hg19) VCF-style: chr9-140672355-G-A.
Other names: c.2040G>A, p.Ser680= (NM_001145527.2); c.1947G>A, p.Ser649= (NM_001354259.2); c.2019G>A, p.Ser673= (NM_001354263.2).
Identifiers: ClinVar variation 167035 (VCV000167035.49), dbSNP rs150451099, ClinGen allele CA179996.